The following is an entry in ClinVar:

ClinVar aggregate classification (germline): Likely benign (1 of 4 stars; one submission).

Allele frequency attached by ClinVar (database versions not stated): 1000 Genomes Project 30x 0.00031; 1000 Genomes Project 0.00040.
gnomAD v4.1: 17 of 399,228 alleles (0.0043%); highest among the groups gnomAD compares: Admixed American, 0.013%; no homozygotes.

Submission:

CeGaT Center for Human Genetics Tuebingen
Classification: Likely benign. Last evaluated: 2022-07-01. Review status: criteria provided, single submitter. Criteria: CeGaT Center For Human Genetics Tuebingen Variant Classification Criteria Version 2. Collection method: clinical testing. Allele origin: germline. Affected: yes. Observed: 1 variant allele.
Comment: LOC400499: BP4, BP7

NM_001370704.1(APOLTP):c.5112C>T (p.Asn1704=)

Gene: APOLTP (apolipoprotein lipid transfer particle homolog; minus strand). Cytogenetic location: 16p13.13.
Variant type: single nucleotide variant.
Coding change: c.5112C>T on transcript NM_001370704.1 (MANE Select); coding-DNA position 5112, C replaced by T.
Protein change: p.Asn1704=; no amino-acid change (asparagine 1704 retained).
Molecular consequence: synonymous variant.
Genome position (GRCh38, 1-based): chr16:11,439,564, G>A on the plus strand (C>T on the coding strand, the complement: APOLTP is on the minus strand). VCF-style: chr16-11439564-G-A. GRCh37 (hg19) VCF-style: chr16-11533420-G-A.
Other names: c.5112C>T, p.Asn1704= (NM_001395505.1).
Identifiers: ClinVar variation 2646223 (VCV002646223.24), dbSNP rs560208862, ClinGen allele CA278250317.